The following is an entry in ClinVar:

NM_172107.4(KCNQ2):c.1955del (p.Pro652fs)

Gene: KCNQ2 (potassium voltage-gated channel subfamily Q member 2; minus strand). Cytogenetic location: 20q13.33.
Variant type: Deletion.
Coding change: c.1955del on transcript NM_172107.4 (MANE Select); coding-DNA position 1955, one base deleted (C; older notation c.1955delC).
Protein change: p.Pro652fs; shifts the reading frame from proline 652.
Molecular consequence: frameshift variant.
Genome position (GRCh38, 1-based): chr20:63,407,308, G deleted on the plus strand (C on the coding strand, the reverse complement: KCNQ2 is on the minus strand); the first of 6 consecutive G bases (chr20:63,407,308-63,407,313); deleting any one gives the same sequence. VCF-style (leftmost placement, unchanged base first): chr20-63407307-CG-C. GRCh37 (hg19) VCF-style: chr20-62038660-CG-C.
Other names: c.2009del, p.Pro670fs (NM_001382235.1); c.1871del, p.Pro624fs (NM_004518.6); c.1901del, p.Pro634fs (NM_172106.3); c.1862del, p.Pro621fs (NM_172108.5); short protein forms P621fs, P624fs, P634fs, P652fs, P670fs.
Identifiers: ClinVar variation 2507190 (VCV002507190.4), dbSNP rs2516104486, ClinGen allele CA645608744.

ClinVar aggregate classification (germline): Pathogenic/Likely pathogenic. Review status: criteria provided, multiple submitters, no conflicts (2 of 4 stars). 2 submissions from 2 submitters: Pathogenic (1); Likely pathogenic (1). Last evaluated 2024-10-20.

Conditions:
Early-infantile DEE. Also called: Early infantile epileptic encephalopathy; Ohtahara syndrome; Early infantile epileptic encephalopathy with suppression bursts. Identifiers: Orphanet 1934, MedGen C0393706, MONDO:0800491.

Submissions (2):

Labcorp Genetics (formerly Invitae), Labcorp
Classification: Pathogenic for Early-infantile DEE. Last evaluated: 2024-10-20. Review status: criteria provided, single submitter. Criteria: Invitae Variant Classification Sherloc (09022015). Collection method: clinical testing. Allele origin: germline.
Comment: This sequence change results in a frameshift in the KCNQ2 gene (p.Pro652Argfs*278). While this is not anticipated to result in nonsense mediated decay, it is expected to disrupt the last 221 amino acid(s) of the KCNQ2 protein and extend the protein by 56 additional amino acid residues. This variant is not present in population databases (gnomAD no frequency). This frameshift has been observed in individual(s) with benign familial neonatal epilepsy (PMID: 31418850). ClinVar contains an entry for this variant (Variation ID: 2507190). This variant results in an extension of the KCNQ2 protein. Other variant(s) that result in a similarly extended protein product (c.1956del) have been determined to be pathogenic (PMID: 14534157; internal data). This suggests that these extensions are likely to be disease-causing. For these reasons, this variant has been classified as Pathogenic.

GeneDx
Classification: Likely pathogenic. Last evaluated: 2023-07-03. Review status: criteria provided, single submitter. Criteria: GeneDx Variant Classification Process June 2021. Collection method: clinical testing. Allele origin: germline. Affected: yes.
Comment: Reported in the published literature (Goto et al., 2019) in a patient with benign (familial) neonatal epilepsy, though without specific segregation details provided; Frameshift variant predicted to result in protein truncation, as the last 221 amino acids are replaced with 277 different amino acids, and other loss-of-function variants have been reported downstream in HGMD; Not observed at significant frequency in large population cohorts (gnomAD); The lost residues are within C-terminal cytoplasmic domain; This variant is associated with the following publications: (PMID: 31418850)

Literature cited by the submitters: PubMed 31418850 (cited by Labcorp Genetics (formerly Invitae), Labcorp); PubMed 14534157 (cited by Labcorp Genetics (formerly Invitae), Labcorp).